The following is an entry in ClinVar:

ClinVar aggregate classification (germline): Uncertain significance. Review status: criteria provided, multiple submitters, no conflicts (2 of 4 stars). 2 submissions from 2 submitters: Uncertain significance (2). Last evaluated 2025-08-07.

Conditions:
Charcot-Marie-Tooth disease type 4. Also called: Charcot-Marie-Tooth disease, type IV; Charcot-Marie-Tooth, Type 4. Identifiers: Orphanet 64749, MedGen C4082197, MONDO:0018995.
Inborn genetic diseases. Identifiers: MedGen C0950123, MeSH D030342.

Allele frequency attached by ClinVar (database versions not stated): gnomAD 0.00001; TOPMed 0.00002; ExAC 0.00003.
gnomAD v4.1: 9 of 1,613,984 alleles (0.00056%); highest among the groups gnomAD compares: South Asian, 0.0022%; no homozygotes.

Submissions (2):

Ambry Genetics
Classification: Uncertain significance for Inborn genetic diseases. Last evaluated: 2025-08-07. Review status: criteria provided, single submitter. Criteria: Ambry Variant Classification Scheme 2023. Collection method: clinical testing. Allele origin: germline.

Labcorp Genetics (formerly Invitae), Labcorp
Classification: Uncertain significance for Charcot-Marie-Tooth disease type 4. Last evaluated: 2023-08-04. Review status: criteria provided, single submitter. Criteria: Invitae Variant Classification Sherloc (09022015). Collection method: clinical testing. Allele origin: germline.
Comment: ClinVar contains an entry for this variant (Variation ID: 1414125). This variant has not been reported in the literature in individuals affected with PRX-related conditions. This variant is present in population databases (rs756439826, gnomAD 0.006%). This sequence change replaces glycine, which is neutral and non-polar, with arginine, which is basic and polar, at codon 439 of the PRX protein (p.Gly439Arg). An algorithm developed to predict the effect of missense changes on protein structure and function (PolyPhen-2) suggests that this variant is likely to be disruptive. In summary, the available evidence is currently insufficient to determine the role of this variant in disease. Therefore, it has been classified as a Variant of Uncertain Significance.

NM_181882.3(PRX):c.1315G>A (p.Gly439Arg)

Gene: PRX (periaxin; minus strand). Cytogenetic location: 19q13.2.
Variant type: single nucleotide variant.
Coding change: c.1315G>A on transcript NM_181882.3 (MANE Select); coding-DNA position 1315, G replaced by A.
Protein change: p.Gly439Arg; replaces glycine 439 with arginine.
Molecular consequence: missense variant. On other transcripts: 3 prime UTR variant (1).
Genome position (GRCh38, 1-based): chr19:40,397,037, C>T on the plus strand (G>A on the coding strand, the complement: PRX is on the minus strand). VCF-style: chr19-40397037-C-T. GRCh37 (hg19) VCF-style: chr19-40902944-C-T.
Other names: c.1315G>A (NM_181882.2); c.*1520G>A (NM_020956.2); short protein forms G439R.
Identifiers: ClinVar variation 1414125 (VCV001414125.8), dbSNP rs756439826, ClinGen allele CA9444284.